The following is an entry in ClinVar:

NC_000007.14:g.44123549G>T

Gene: POLD2 (DNA polymerase delta 2, accessory subunit; minus strand). Cytogenetic location: 7p13.
Variant type: single nucleotide variant.
Genome position: GRCh38 VCF-style: chr7-44123549-G-T. GRCh37 (hg19) VCF-style: chr7-44163148-G-T.
Identifiers: ClinVar variation 2085797 (VCV002085797.4), dbSNP rs752979461, ClinGen allele CA157894803.
Genomic context (GRCh38, chr7:44,123,549, plus strand): 5'-CGTTTCCCTGGACCCCACTCACCGCGCGGCGCGCCGCATCCCGCCAATCCCCGCGCGCCT[G>T]CCCCGCCCATCGCCGCAACTCGCTAATCCCCGCGCGGCTTCCCCGCCCATCGCCTAATCT-3'

ClinVar aggregate classification (germline): Uncertain significance (1 of 4 stars; one submission).

Allele frequency attached by ClinVar (database versions not stated): gnomAD 0.00001; TOPMed 0.00001.
gnomAD v4.1: 11 of 1,484,572 alleles (0.00074%); highest among the groups gnomAD compares: South Asian, 0.0013%; no homozygotes.

Submission:

Labcorp Genetics (formerly Invitae), Labcorp
Classification: Uncertain significance. Last evaluated: 2025-05-14. Review status: criteria provided, single submitter. Criteria: Invitae Variant Classification Sherloc (09022015). Collection method: clinical testing. Allele origin: germline.
Comment: This sequence change replaces alanine, which is neutral and non-polar, with glutamic acid, which is acidic and polar, at codon 4 of the POLD2 protein (p.Ala4Glu). This variant is not present in population databases (gnomAD no frequency). This variant has not been reported in the literature in individuals affected with POLD2-related conditions. ClinVar contains an entry for this variant (Variation ID: 2085797). An algorithm developed to predict the effect of missense changes on protein structure and function outputs the following: PolyPhen-2: "Not Available". The glutamic acid amino acid residue is found in multiple mammalian species, which suggests that this missense change does not adversely affect protein function. In summary, the available evidence is currently insufficient to determine the role of this variant in disease. Therefore, it has been classified as a Variant of Uncertain Significance.